The following is an entry in ClinVar:

ClinVar aggregate classification (germline): Likely benign. Review status: criteria provided, multiple submitters, no conflicts (2 of 4 stars). 2 submissions from 2 submitters: Likely benign (2). Last evaluated 2026-06-03.

Conditions:
BBS9-related disorder. Also called: BBS9-related condition.
Bardet-Biedl syndrome (BBS). Identifiers: Orphanet 110, MedGen C0752166, MONDO:0015229.

Allele frequency attached by ClinVar (database versions not stated): gnomAD exomes below 0.00001 and 0.00001; TOPMed 0.00001.
gnomAD v4.1: 2 of 1,610,128 alleles (0.00012%); highest among the groups gnomAD compares: Admixed American, 0.0033%; no homozygotes.

Submissions (2):

PreventionGenetics, part of Exact Sciences
Classification: Likely benign for BBS9-related condition. Last evaluated: 2026-06-03. Review status: criteria provided, single submitter. Criteria: ACMG Guidelines, 2015. Collection method: clinical testing. Allele origin: germline.
Comment: This variant is classified as likely benign based on ACMG/AMP sequence variant interpretation guidelines (Richards et al. 2015 PMID: 25741868, with internal and published modifications).

Labcorp Genetics (formerly Invitae), Labcorp
Classification: Likely benign for Bardet-Biedl syndrome. Last evaluated: 2025-11-12. Review status: criteria provided, single submitter. Criteria: Invitae Variant Classification Sherloc (09022015). Collection method: clinical testing. Allele origin: germline.

NM_198428.3(BBS9):c.2633-10T>C

Gene: BBS9 (Bardet-Biedl syndrome 9; plus strand). Cytogenetic location: 7p14.3.
Variant type: single nucleotide variant.
Coding change: c.2633-10T>C on transcript NM_198428.3 (MANE Select); 10 bases into the intron before coding-DNA position 2633, T replaced by C.
Molecular consequence: intron variant.
Genome position (GRCh38, 1-based): chr7:33,605,185, T>C. VCF-style: chr7-33605185-T-C. GRCh37 (hg19) VCF-style: chr7-33644797-T-C.
Other names: c.2633-10T>C (NM_001348036.1, NM_198428.2); c.2522-29992T>C (NM_001362679.1); c.2632+210T>C (NM_001348041.4); c.2360-10T>C (NM_001348038.3); c.2255-10T>C (NM_001348039.3); c.2633-13T>C (NM_001348043.3); c.2618-10T>C (NM_001033605.2); c.2528-10T>C (NM_001033604.2); and 6 more.
Identifiers: ClinVar variation 1151446 (VCV001151446.10), dbSNP rs879202314, ClinGen allele CA156756428.